The following is an entry in ClinVar:

ClinVar aggregate classification (germline): Uncertain significance (1 of 4 stars; one submission).

Conditions:
Werner syndrome (WRN). Identifiers: Orphanet 902, MedGen C0043119, MONDO:0010196, OMIM 277700.

Submission:

Labcorp Genetics (formerly Invitae), Labcorp
Classification: Uncertain significance for Werner syndrome. Last evaluated: 2022-10-23. Review status: criteria provided, single submitter. Criteria: Invitae Variant Classification Sherloc (09022015). Collection method: clinical testing. Allele origin: germline.
Comment: This variant has not been reported in the literature in individuals affected with WRN-related conditions. This variant is not present in population databases (gnomAD no frequency). This sequence change replaces threonine, which is neutral and polar, with alanine, which is neutral and non-polar, at codon 1236 of the WRN protein (p.Thr1236Ala). Algorithms developed to predict the effect of missense changes on protein structure and function output the following: SIFT: "Not Available"; PolyPhen-2: "Benign"; Align-GVGD: "Not Available". The alanine amino acid residue is found in multiple mammalian species, which suggests that this missense change does not adversely affect protein function. In summary, the available evidence is currently insufficient to determine the role of this variant in disease. Therefore, it has been classified as a Variant of Uncertain Significance.

NM_000553.6(WRN):c.3706A>G (p.Thr1236Ala)

Gene: WRN (WRN RecQ like helicase; plus strand). Cytogenetic location: 8p12.
Variant type: single nucleotide variant.
Coding change: c.3706A>G on transcript NM_000553.6 (MANE Select); coding-DNA position 3706, A replaced by G.
Protein change: p.Thr1236Ala; replaces threonine 1236 with alanine.
Molecular consequence: missense variant.
Genome position (GRCh38, 1-based): chr8:31,154,642, A>G. VCF-style: chr8-31154642-A-G. GRCh37 (hg19) VCF-style: chr8-31012158-A-G.
Other names: short protein forms T1236A.
Identifiers: ClinVar variation 1722060 (VCV001722060.5), dbSNP rs2536056385, ClinGen allele CA370928881.
Genomic context (GRCh38, chr8:31,154,642, plus strand): 5'-TTGATATTACTGATCATTTGTGCTACATTAAAAATTCTGTAGACAGACCTCTTTTCAAGT[A>G]CAAAACCTCAAGAAGAACAGAAGACGAGTCTGGTAGCAAAAAATAAAATATGCACACTTT-3'
Protein context (NP_000544.2, residues 1226-1246): NSVQTDLFSS[Thr1236Ala]KPQEEQKTSL